The following is an entry in ClinVar:

NM_001083116.3(PRF1):c.65C>T (p.Pro22Leu)

Gene: PRF1 (perforin 1; minus strand). Cytogenetic location: 10q22.1.
Variant type: single nucleotide variant.
Coding change: c.65C>T on transcript NM_001083116.3 (MANE Select); coding-DNA position 65, C replaced by T.
Protein change: p.Pro22Leu; replaces proline 22 with leucine.
Molecular consequence: missense variant.
Genome position (GRCh38, 1-based): chr10:70,600,838, G>A on the plus strand (C>T on the coding strand, the complement: PRF1 is on the minus strand). VCF-style: chr10-70600838-G-A. GRCh37 (hg19) VCF-style: chr10-72360594-G-A.
Other names: c.65C>T, p.Pro22Leu (NM_005041.6); short protein forms P22L.
Identifiers: ClinVar variation 658808 (VCV000658808.11), dbSNP rs528937278, ClinGen allele CA5539139.

ClinVar aggregate classification (germline): Uncertain significance. Review status: criteria provided, multiple submitters, no conflicts (2 of 4 stars). 5 submissions from 5 submitters: Uncertain significance (5). Last evaluated 2026-07-19.

Conditions:
Familial hemophagocytic lymphohistiocytosis 2 (FHL2). Also called: PRF1-Related Familial Hemophagocytic Lymphohistiocytosis (PRF1-fHLH). Identifiers: Orphanet 540, MedGen C1863727, MONDO:0011337, OMIM 603553.
Aplastic anemia. Identifiers: Orphanet 182040, Orphanet 88, MedGen C0002874, MONDO:0015909, OMIM 609135, HP:0001915.
Lymphoma, non-Hodgkin, familial. Identifiers: MedGen C4721532, MONDO:0011508, OMIM 605027.
PRF1-related disorder. Also called: PRF1-related condition.

Allele frequency attached by ClinVar (database versions not stated): gnomAD 0.00004; gnomAD exomes 0.00006 and 0.00012; TOPMed 0.00006; ExAC 0.00008; 1000 Genomes Project 30x 0.00016; 1000 Genomes Project 0.00020.

Submissions (5):

PreventionGenetics, part of Exact Sciences
Classification: Uncertain significance for PRF1-related condition. Last evaluated: 2026-07-19. Review status: criteria provided, single submitter. Criteria: ACMG Guidelines, 2015. Collection method: clinical testing. Allele origin: germline.
Comment: The PRF1 c.65C>T variant is predicted to result in the amino acid substitution p.Pro22Leu. To our knowledge, this variant has not been reported in the literature. This variant is reported in 0.011% of alleles in individuals of European (Non-Finnish) descent in gnomAD. At this time, the clinical significance of this variant is uncertain due to the absence of conclusive functional and genetic evidence.

Blueprint Genetics
Classification: Uncertain significance. Last evaluated: 2024-11-21. Review status: criteria provided, single submitter. Criteria: ACMG Guidelines, 2015. Collection method: clinical testing. Allele origin: germline.

Fulgent Genetics
Classification: Uncertain significance for Familial hemophagocytic lymphohistiocytosis 2; Lymphoma, non-Hodgkin, familial; Aplastic anemia. Last evaluated: 2024-06-04. Review status: criteria provided, single submitter. Criteria: ACMG Guidelines, 2015. Collection method: clinical testing. Allele origin: germline.

Labcorp Genetics (formerly Invitae), Labcorp
Classification: Uncertain significance for Familial hemophagocytic lymphohistiocytosis 2. Last evaluated: 2022-10-27. Review status: criteria provided, single submitter. Criteria: Invitae Variant Classification Sherloc (09022015). Collection method: clinical testing. Allele origin: germline.
Comment: This sequence change replaces proline, which is neutral and non-polar, with leucine, which is neutral and non-polar, at codon 22 of the PRF1 protein (p.Pro22Leu). This variant is present in population databases (rs528937278, gnomAD 0.01%). This variant has not been reported in the literature in individuals affected with PRF1-related conditions. ClinVar contains an entry for this variant (Variation ID: 658808). Advanced modeling of protein sequence and biophysical properties (such as structural, functional, and spatial information, amino acid conservation, physicochemical variation, residue mobility, and thermodynamic stability) has been performed at Invitae for this missense variant, however the output from this modeling did not meet the statistical confidence thresholds required to predict the impact of this variant on PRF1 protein function. In summary, the available evidence is currently insufficient to determine the role of this variant in disease. Therefore, it has been classified as a Variant of Uncertain Significance.

Center for Genomics, Ann and Robert H. Lurie Children's Hospital of Chicago
Classification: Uncertain significance for Familial hemophagocytic lymphohistiocytosis 2; Aplastic anemia; Lymphoma, non-Hodgkin, familial. Review status: criteria provided, single submitter. Criteria: ACMG Guidelines, 2015. Collection method: clinical testing. Allele origin: germline.
Comment: PRF1 NM_001083116.2 exon 2 p.Pro22Leu (c.65C>T): This variant has not been reported in the literature but is present in 0.01% (13/122152) of European alleles in the Genome Aggregation Database. This variant is present in ClinVar (Variation ID:658808). Evolutionary conservation and computational predictive tools for this variant are unclear. In summary, data on this variant is insufficient for disease classification. Therefore, the clinical significance of this variant is uncertain.